The following is an entry in ClinVar:

NM_000051.4(ATM):c.5511_5512del (p.Phe1837fs)

Gene: ATM (ATM serine/threonine kinase; plus strand). Cytogenetic location: 11q22.3.
Variant type: Deletion.
Coding change: c.5511_5512del on transcript NM_000051.4 (MANE Select); coding-DNA positions 5511 to 5512, 2 bases deleted (TT; older notation c.5511_5512delTT).
Protein change: p.Phe1837fs; shifts the reading frame from phenylalanine 1837.
Molecular consequence: frameshift variant.
Genome position (GRCh38, 1-based): chr11:108,304,689-108,304,690, TT deleted; deleting any 2 consecutive bases within chr11:108,304,687-108,304,690 gives the same sequence; the c. name uses the placement nearest the transcript's 3' end. VCF-style (leftmost placement, unchanged base first): chr11-108304686-CTT-C. GRCh37 (hg19) VCF-style: chr11-108175413-CTT-C.
Other names: c.5511_5512delTT (NM_000051.3); c.5511_5512del, p.Phe1837fs (NM_001351834.2); short protein forms F1837fs.
Identifiers: ClinVar variation 453583 (VCV000453583.34), dbSNP rs1555107263, ClinGen allele CA658656259.

ClinVar aggregate classification (germline): Pathogenic/Likely pathogenic. Review status: criteria provided, multiple submitters, no conflicts (2 of 4 stars). 8 submissions from 8 submitters: Pathogenic (4); Likely pathogenic (3). 1 of the submissions does not count toward it. Last evaluated 2024-03-06.

Conditions:
Hereditary cancer-predisposing syndrome. Also called: Tumor predisposition; Hereditary neoplastic syndrome; Neoplastic Syndromes, Hereditary; Hereditary Cancer Syndrome. Identifiers: Orphanet 140162, MedGen C0027672, MeSH D009386, MONDO:0015356.
Hereditary breast ovarian cancer syndrome. Also called: Hereditary breast and ovarian cancer syndrome; Hereditary breast and ovarian cancer; Hereditary breast and/or ovarian cancer syndrome; Breast and ovarian cancer; Hereditary breast and ovarian cancer syndrome (HBOC); BRCA1- and BRCA2-Associated Hereditary Breast and Ovarian Cancer. Identifiers: Orphanet 145, MedGen C0677776, MeSH D061325, MONDO:0003582. Disease mechanism: loss of function.
Familial cancer of breast. Also called: Hereditary breast cancer; BREAST CANCER, FAMILIAL; hereditary breast carcinoma. Identifiers: Orphanet 227535, MedGen C0346153, MONDO:0016419, OMIM 114480. Disease mechanism: loss of function.
Gastric cancer. Also called: Stomach cancer; Malignant tumor of stomach. Identifiers: MedGen C0024623, MeSH D013274, MONDO:0001056, OMIM 613659, HP:0012126.
Ataxia-telangiectasia syndrome (AT). Also called: Cerebello-oculocutaneous telangiectasia; Immunodeficiency with ataxia telangiectasia; ATAXIA-TELANGIECTASIA, COMPLEMENTATION GROUP A; ATAXIA-TELANGIECTASIA, FRESNO VARIANT; Ataxia-telangiectasia; Ataxia telangiectasia (A-T). Identifiers: Orphanet 100, MedGen C0004135, MONDO:0008840, OMIM 208900.

Submissions (8):

Baylor Genetics
Classification: Likely pathogenic for Familial cancer of breast. Last evaluated: 2024-03-06. Review status: criteria provided, single submitter. Criteria: ACMG Guidelines, 2015. Collection method: clinical testing. Allele origin: unknown.

Myriad Genetics, Inc.
Classification: Pathogenic for Familial cancer of breast. Last evaluated: 2024-01-25. Review status: criteria provided, single submitter. Criteria: Myriad Autosomal Dominant, Autosomal Recessive and X-Linked Classification Criteria (2023). Collection method: clinical testing. Allele origin: unknown.
Comment: This variant is considered pathogenic. This variant creates a frameshift predicted to result in premature protein truncation.

Color Diagnostics, LLC DBA Color Health
Classification: Pathogenic for Hereditary cancer-predisposing syndrome. Last evaluated: 2020-04-24. Review status: criteria provided, single submitter. Criteria: ACMG Guidelines, 2015. Collection method: clinical testing. Allele origin: germline.
Comment: This variant deletes 2 nucleotides in exon 37 of the ATM gene, creating a frameshift and premature translation stop signal. This variant is expected to result in an absent or non-functional protein product. To our knowledge, this variant has not been reported in individuals affected with hereditary cancer in the literature. This variant has not been identified in the general population by the Genome Aggregation Database (gnomAD). Loss of ATM function is a known mechanism of disease. Based on the available evidence, this variant is classified as Pathogenic.

Cancer Genomics Group, Japanese Foundation For Cancer Research
Classification: Likely pathogenic for Hereditary breast and ovarian cancer syndrome. Last evaluated: 2019-05-01. Review status: criteria provided, single submitter. Criteria: ACMG Guidelines, 2015. Collection method: research. Allele origin: germline. Affected: yes.

Women's Health and Genetics/Laboratory Corporation of America, LabCorp
Classification: Likely pathogenic for Ataxia-telangiectasia syndrome. Last evaluated: 2019-04-26. Review status: criteria provided, single submitter. Criteria: LabCorp Variant Classification Summary - May 2015. Collection method: clinical testing. Allele origin: germline.
Comment: Variant summary: ATM c.5511_5512delTT (p.Phe1837LeufsX11) results in a premature termination codon, predicted to cause a truncation of the encoded protein or absence of the protein due to nonsense mediated decay, which are commonly known mechanisms for disease. Truncations downstream of this position have been classified as pathogenic by our laboratory (e.g. c.5712dupA (p.Ser1905fsX25), c.5908C>T (p.Gln1970X), c.6404_6405insTT (p.Arg2136fsX1)). The variant was absent in 250904 control chromosomes (gnomAD). To our knowledge, no occurrence of c.5511_5512delTT in individuals affected with Ataxia-Telangiectasia and no experimental evidence demonstrating its impact on protein function have been reported. One submitter has provided clinical-significance assessments for this variant in ClinVar after 2014 and classified the variant as pathogenic. Based on the evidence outlined above, the variant was classified as likely pathogenic.

Ambry Genetics
Classification: Pathogenic for Hereditary cancer-predisposing syndrome. Last evaluated: 2019-02-09. Review status: criteria provided, single submitter. Criteria: Ambry Variant Classification Scheme 2023. Collection method: clinical testing. Allele origin: germline.
Comment: The c.5511_5512delTT pathogenic mutation, located in coding exon 36 of the ATM gene, results from a deletion of two nucleotides at nucleotide positions 5511 to 5512, causing a translational frameshift with a predicted alternate stop codon (p.F1837Lfs*11). This alteration is expected to result in loss of function by premature protein truncation or nonsense-mediated mRNA decay. As such, this alteration is interpreted as a disease-causing mutation.

Labcorp Genetics (formerly Invitae), Labcorp
Classification: Pathogenic for Ataxia-telangiectasia syndrome. Last evaluated: 2017-04-12. Review status: criteria provided, single submitter. Criteria: Invitae Variant Classification Sherloc (09022015). Collection method: clinical testing. Allele origin: germline.
Comment: For these reasons, this variant has been classified as Pathogenic. While this particular variant has not been reported in the literature, loss-of-function variants in ATM are known to be pathogenic (PMID: 25614872, 23807571). This sequence change deletes 2 nucleotides from exon 37 of the ATM mRNA (c.5511_5512delTT), causing a frameshift at codon 1837. This creates a premature translational stop signal (p.Phe1837Leufs*11) and is expected to result in an absent or disrupted protein product.

Laboratory for Genotyping Development, RIKEN
Classification: Pathogenic for Gastric cancer. Last evaluated: 2021-07-01. Review status: no assertion criteria provided. Collection method: research. Allele origin: germline. Not counted in ClinVar's aggregate classification.

Literature cited by the submitters: PubMed 25614872 (cited by Labcorp Genetics (formerly Invitae), Labcorp); PubMed 23807571 (cited by Labcorp Genetics (formerly Invitae), Labcorp); PubMed 36988593 (cited by Laboratory for Genotyping Development, RIKEN).